The following is an entry in ClinVar:

NM_014714.4(IFT140):c.3913G>C (p.Gly1305Arg)

Gene: IFT140 (intraflagellar transport 140; minus strand). Cytogenetic location: 16p13.3.
Variant type: single nucleotide variant.
Coding change: c.3913G>C on transcript NM_014714.4 (MANE Select); coding-DNA position 3913, G replaced by C.
Protein change: p.Gly1305Arg; replaces glycine 1305 with arginine.
Molecular consequence: missense variant.
Genome position (GRCh38, 1-based): chr16:1,520,008, C>G on the plus strand (G>C on the coding strand, the complement: IFT140 is on the minus strand). VCF-style: chr16-1520008-C-G. GRCh37 (hg19) VCF-style: chr16-1570009-C-G.
Other names: short protein forms G1305R.
Identifiers: ClinVar variation 3108371 (VCV003108371.2), dbSNP rs755596826, ClinGen allele CA7812979.
Genomic context (GRCh38, chr16:1,520,008, plus strand): 5'-GGTCCAGGGGGCTCTTGGCCTTGGCCTTGGCCAGGCACTTGTAGGCCTCGGTCAGCGCCC[C>G]GTGGGCTTTGTCGTAGTTCTGGTATTCATCAATCTCCACCTGTACAGATGAAACCCGTCA-3'
Protein context (NP_055529.2, residues 1295-1315): DEYQNYDKAH[Gly1305Arg]ALTEAYKCLA

ClinVar aggregate classification (germline): Uncertain significance. Review status: criteria provided, single submitter (1 of 4 stars). 2 submissions from 2 submitters: Uncertain significance (1). 1 of the submissions does not count toward it. Last evaluated 2024-02-02.

Conditions:
Inborn genetic diseases. Identifiers: MedGen C0950123, MeSH D030342.
IFT140-related disorder. Also called: IFT140-related condition.

gnomAD v4.1: 11 of 1,602,934 alleles (0.00069%); highest among the groups gnomAD compares: South Asian, 0.011%; no homozygotes.

Submissions (2):

Ambry Genetics
Classification: Uncertain significance for Inborn genetic diseases. Last evaluated: 2024-02-02. Review status: criteria provided, single submitter. Criteria: Ambry Variant Classification Scheme 2023. Collection method: clinical testing. Allele origin: germline.

PreventionGenetics, part of Exact Sciences
Classification: Uncertain significance for IFT140-related condition. Last evaluated: 2024-07-29. Review status: no assertion criteria provided. Collection method: clinical testing. Allele origin: germline. Not counted in ClinVar's aggregate classification.
Comment: The IFT140 c.3913G>C variant is predicted to result in the amino acid substitution p.Gly1305Arg. To our knowledge, this variant has not been reported in the literature. This variant is reported in 0.010% of alleles in individuals of South Asian descent in gnomAD. At this time, the clinical significance of this variant is uncertain due to the absence of conclusive functional and genetic evidence.